The following is an entry in ClinVar:

NM_001318895.3(FHL2):c.689-225G>A

Genes: C2orf49 (chromosome 2 open reading frame 49; plus strand), FHL2 (four and a half LIM domains 2; minus strand). Cytogenetic location: 2q12.2.
Variant type: single nucleotide variant.
Coding change: c.689-225G>A on transcript NM_001318895.3 (MANE Select); 225 bases into the intron before coding-DNA position 689, G replaced by A.
Molecular consequence: intron variant.
Genome position (GRCh38, 1-based): chr2:105,361,659, C>T on the plus strand (G>A on the coding strand, the complement: FHL2 is on the minus strand). VCF-style: chr2-105361659-C-T. GRCh37 (hg19) VCF-style: chr2-105978116-C-T.
Other names: c.347-225G>A (NM_001318897.2, NM_001318898.2); c.689-225G>A (NM_001318896.2, NM_001039492.3, NM_001450.4 and 4 more transcripts); c.365-225G>A (NM_001318899.2).
Identifiers: ClinVar variation 1706660 (VCV001706660.2), dbSNP rs112934639, ClinGen allele CA15158310.
Genomic context (GRCh38, chr2:105,361,659, plus strand): 5'-CTATGCACAGCCTGGAGGATCTCGTGAATATCAGAAGAGATATATAAACTGGTTCCAAAA[C>T]GATGGGATAAGTGCGATCAAAGAATGCTGACTGTGTATTTGTTATGTGTTTTCCCACAAA-3'

ClinVar aggregate classification (germline): Likely benign (1 of 4 stars; one submission).

Allele frequency attached by ClinVar (database versions not stated): gnomAD 0.03859; TOPMed 0.04138; 1000 Genomes Project 0.04213; 1000 Genomes Project 30x 0.04294.
gnomAD v4.1: 5,943 of 152,198 alleles (3.9%); highest among the groups gnomAD compares: Middle Eastern, 6.8%; 125 homozygotes.

Submission:

GeneDx
Classification: Likely benign. Last evaluated: 2021-05-12. Review status: criteria provided, single submitter. Criteria: GeneDx Variant Classification Process June 2021. Collection method: clinical testing. Allele origin: germline. Affected: yes.
Comment: See Variant Classification Assertion Criteria.